The following is an entry in ClinVar:

ClinVar aggregate classification (germline): Uncertain significance (1 of 4 stars; one submission).

Submission:

Ambry Genetics
Classification: Uncertain significance. Last evaluated: 2026-04-28. Review status: criteria provided, single submitter. Criteria: Ambry Variant Classification Scheme 2023. Collection method: clinical testing. Allele origin: germline.
Comment: The p.G150D variant (also known as c.449G>A), located in coding exon 3 of the GFI1 gene, results from a G to A substitution at nucleotide position 449. The glycine at codon 150 is replaced by aspartic acid, an amino acid with similar properties. This amino acid position is conserved. In addition, this alteration is predicted to be tolerated by in silico analysis. Based on the available evidence, the clinical significance of this variant remains unclear.

NM_005263.5(GFI1):c.449G>A (p.Gly150Asp)

Gene: GFI1 (growth factor independent 1 transcriptional repressor; minus strand). Cytogenetic location: 1p22.1.
Variant type: single nucleotide variant.
Coding change: c.449G>A on transcript NM_005263.5 (MANE Select); coding-DNA position 449, G replaced by A.
Protein change: p.Gly150Asp; replaces glycine 150 with aspartic acid.
Molecular consequence: missense variant.
Genome position (GRCh38, 1-based): chr1:92,480,938, C>T on the plus strand (G>A on the coding strand, the complement: GFI1 is on the minus strand). VCF-style: chr1-92480938-C-T. GRCh37 (hg19) VCF-style: chr1-92946495-C-T.
Other names: c.449G>A, p.Gly150Asp (NM_001127215.3, NM_001127216.3); short protein forms G150D.
Identifiers: ClinVar variation 4858049 (VCV004858049.1).